The following is an entry in ClinVar:

ClinVar aggregate classification (germline): Pathogenic (1 of 4 stars; one submission).

Conditions:
Hereditary cancer-predisposing syndrome. Also called: Hereditary Cancer Syndrome; Hereditary neoplastic syndrome; Neoplastic Syndromes, Hereditary; Tumor predisposition. Identifiers: Orphanet 140162, MedGen C0027672, MeSH D009386, MONDO:0015356.

Submission:

Ambry Genetics
Classification: Pathogenic for Hereditary cancer-predisposing syndrome. Last evaluated: 2025-04-11. Review status: criteria provided, single submitter. Criteria: Ambry Variant Classification Scheme 2023. Collection method: clinical testing. Allele origin: germline.
Comment: The c.33_34delTG pathogenic mutation, located in coding exon 1 of the PALB2 gene, results from a deletion of two nucleotides at nucleotide positions 33 to 34, causing a translational frameshift with a predicted alternate stop codon (p.C11*). This variant is considered to be rare based on population cohorts in the Genome Aggregation Database (gnomAD). This alteration is expected to result in loss of function by premature protein truncation or nonsense-mediated mRNA decay. As such, this alteration is interpreted as a disease-causing mutation.

NM_024675.4(PALB2):c.33_34del (p.Cys11_Glu12delinsTer)

Gene: PALB2 (partner and localizer of BRCA2; minus strand). Cytogenetic location: 16p12.2.
Variant type: Microsatellite.
Coding change: c.33_34del on transcript NM_024675.4 (MANE Select); coding-DNA positions 33 to 34, 2 bases deleted (TG; older notation c.33_34delTG).
Protein change: p.Cys11_Glu12delinsTer.
Molecular consequence: nonsense. On other transcripts: 5 prime UTR variant (8), frameshift variant (2), splice donor variant (2).
Genome position (GRCh38, 1-based): chr16:23,641,124-23,641,125, CA deleted on the plus strand (TG on the coding strand, the reverse complement: PALB2 is on the minus strand); deleting any 2 consecutive bases within chr16:23,641,124-23,641,127 gives the same sequence; the c. name uses the placement nearest the transcript's 3' end. VCF-style (leftmost placement, unchanged base first): chr16-23641123-TCA-T. GRCh37 (hg19) VCF-style: chr16-23652444-TCA-T.
Other names: c.33_34del, p.Cys11_Glu12delinsTer (NM_001407296.1, NM_001407297.1, NM_001407298.1 and 5 more transcripts); c.-1713TG[1] (NM_001407304.1, NM_001407310.1); c.-989TG[1] (NM_001407305.1, NM_001407307.1, NM_001407309.1 and 1 more transcripts); c.-122TG[1] (NM_001407312.1, NM_001407313.1); c.31_32TG[1], p.Cys11Terfs (NM_024675.3); c.-838+2_-838+3del (NM_001407308.1, NM_001407306.1); c.33_34delTG (NM_024675.3).
Identifiers: ClinVar variation 3927432 (VCV003927432.1).